The following is an entry in ClinVar:

NM_001148.6(ANK2):c.10064A>G (p.Gln3355Arg)

Gene: ANK2 (ankyrin 2; plus strand). Cytogenetic location: 4q26.
Variant type: single nucleotide variant.
Coding change: c.10064A>G on transcript NM_001148.6 (MANE Select); coding-DNA position 10064, A replaced by G.
Protein change: p.Gln3355Arg; replaces glutamine 3355 with arginine.
Molecular consequence: missense variant. On other transcripts: intron variant (68).
Genome position (GRCh38, 1-based): chr4:113,358,682, A>G. VCF-style: chr4-113358682-A-G. GRCh37 (hg19) VCF-style: chr4-114279838-A-G.
Other names: c.9830A>G, p.Gln3277Arg (NM_001386142.1); c.6464A>G, p.Gln2155Arg (NM_001386166.1); c.10205A>G, p.Gln3402Arg (NM_001386174.1); c.10181A>G, p.Gln3394Arg (NM_001386175.1); c.4412-2141A>G (NM_001386186.2, NM_001386148.2); c.4214-2141A>G (NM_001354269.3); c.4292-2141A>G (NM_001386187.2); c.4253-2141A>G (NM_001386147.1); and 35 more; short protein forms Q3402R, Q3355R, Q3394R, Q2155R, Q3277R.
Identifiers: ClinVar variation 2172869 (VCV002172869.4), dbSNP rs762535771, ClinGen allele CA3052021.

ClinVar aggregate classification (germline): Uncertain significance (1 of 4 stars; one submission).

Conditions:
Long QT syndrome (LQTS). Identifiers: MedGen C0023976, MeSH D008133, MONDO:0002442. Disease mechanism: loss of function. Inheritance: Various modes of inheritance.

Allele frequency attached by ClinVar (database versions not stated): gnomAD exomes below 0.00001; ExAC 0.00001.
gnomAD v4.1: 2 of 1,614,054 alleles (0.00012%); highest among the groups gnomAD compares: Non-Finnish European, 0.00017%; no homozygotes.

Submission:

Labcorp Genetics (formerly Invitae), Labcorp
Classification: Uncertain significance for Long QT syndrome. Last evaluated: 2022-04-03. Review status: criteria provided, single submitter. Criteria: Invitae Variant Classification Sherloc (09022015). Collection method: clinical testing. Allele origin: germline.
Comment: This sequence change replaces glutamine, which is neutral and polar, with arginine, which is basic and polar, at codon 3355 of the ANK2 protein (p.Gln3355Arg). This variant is present in population databases (rs762535771, gnomAD 0.0009%). This variant has not been reported in the literature in individuals affected with ANK2-related conditions. Algorithms developed to predict the effect of missense changes on protein structure and function (SIFT, PolyPhen-2, Align-GVGD) all suggest that this variant is likely to be tolerated. In summary, the available evidence is currently insufficient to determine the role of this variant in disease. Therefore, it has been classified as a Variant of Uncertain Significance.